The following is an entry in ClinVar:

ClinVar aggregate classification (germline): Uncertain significance. Review status: criteria provided, multiple submitters, no conflicts (2 of 4 stars). 3 submissions from 3 submitters: Uncertain significance (3). Last evaluated 2025-11-27.

Conditions:
Wilms tumor 1 (WT1). Also called: Wilms tumor, somatic. Identifiers: Orphanet 654, MedGen CN033288, MONDO:0008679, OMIM 194070.

Allele frequency attached by ClinVar (database versions not stated): 1000 Genomes Project 30x 0.00016; 1000 Genomes Project 0.00020; ESP Exome Variant Server 0.00031; TOPMed 0.00010; ExAC 0.00011; gnomAD 0.00013; gnomAD exomes 0.00019.
gnomAD v4.1: 299 of 1,613,872 alleles (0.019%); highest among the groups gnomAD compares: South Asian, 0.032%; no homozygotes.

Submissions (3):

Labcorp Genetics (formerly Invitae), Labcorp
Classification: Uncertain significance. Last evaluated: 2025-11-27. Review status: criteria provided, single submitter. Criteria: Invitae Variant Classification Sherloc (09022015). Collection method: clinical testing. Allele origin: germline.
Comment: This sequence change replaces arginine, which is basic and polar, with cysteine, which is neutral and slightly polar, at codon 795 of the TRIM28 protein (p.Arg795Cys). This variant is present in population databases (rs138661227, gnomAD 0.04%), and has an allele count higher than expected for a pathogenic variant. This missense change has been observed in individual(s) with Wilms tumor (PMID: 38110397). ClinVar contains an entry for this variant (Variation ID: 2590061). Experimental studies and prediction algorithms are not available or were not evaluated, and the functional significance of this variant is currently unknown. In summary, the available evidence is currently insufficient to determine the role of this variant in disease. Therefore, it has been classified as a Variant of Uncertain Significance.

Ambry Genetics
Classification: Uncertain significance. Last evaluated: 2025-08-25. Review status: criteria provided, single submitter. Criteria: Ambry Variant Classification Scheme 2023. Collection method: clinical testing. Allele origin: germline.

St. Jude Molecular Pathology, St. Jude Children's Research Hospital
Classification: Uncertain significance for Wilms tumor 1. Last evaluated: 2024-08-19. Review status: criteria provided, single submitter. Criteria: St. Jude Assertion Criteria 2020. Collection method: clinical testing. Allele origin: germline.
Comment: The TRIM28 c.2383C>T (p.Arg795Cys) missense change has a maximum subpopulation frequency of 0.042% in gnomAD v2.1.1. The in silico tool REVEL predicts a benign effect on protein function, but this prediction has not been confirmed by functional studies. This variant has not been reported in individuals with TRIM28-associated Wilms tumor. In summary, the evidence currently available is insufficient to determine the clinical significance of this variant. It has therefore been classified as of uncertain significance.

Literature cited by the submitters: PubMed 38110397 (cited by Labcorp Genetics (formerly Invitae), Labcorp).

NM_005762.3(TRIM28):c.2383C>T (p.Arg795Cys)

Gene: TRIM28 (tripartite motif containing 28; plus strand). Cytogenetic location: 19q13.43.
Variant type: single nucleotide variant.
Coding change: c.2383C>T on transcript NM_005762.3 (MANE Select); coding-DNA position 2383, C replaced by T.
Protein change: p.Arg795Cys; replaces arginine 795 with cysteine.
Molecular consequence: missense variant.
Genome position (GRCh38, 1-based): chr19:58,550,428, C>T. VCF-style: chr19-58550428-C-T. GRCh37 (hg19) VCF-style: chr19-59061795-C-T.
Other names: short protein forms R795C.
Identifiers: ClinVar variation 2590061 (VCV002590061.6), dbSNP rs138661227, ClinGen allele CA9719593.